The following is an entry in ClinVar:

NM_001365536.1(SCN9A):c.3587G>A (p.Ser1196Asn)

Genes: SCN1A-AS1 (SCN1A and SCN9A antisense RNA 1; plus strand), SCN9A (sodium voltage-gated channel alpha subunit 9; minus strand). Cytogenetic location: 2q24.3.
Variant type: single nucleotide variant.
Coding change: c.3587G>A on transcript NM_001365536.1 (MANE Select); coding-DNA position 3587, G replaced by A.
Protein change: p.Ser1196Asn; replaces serine 1196 with asparagine.
Molecular consequence: missense variant.
Genome position (GRCh38, 1-based): chr2:166,242,542, C>T on the plus strand (G>A on the coding strand, the complement: SCN9A is on the minus strand). VCF-style: chr2-166242542-C-T. GRCh37 (hg19) VCF-style: chr2-167099052-C-T.
Other names: c.3554G>A, p.Ser1185Asn (NM_002977.4); short protein forms S1185N, S1196N.
Identifiers: ClinVar variation 1499349 (VCV001499349.6), dbSNP rs1249809900, ClinGen allele CA349070152.
Genomic context (GRCh38, chr2:166,242,542, plus strand): 5'-TTAGGTGTCAGATCATTTACCAGGGCACCACTGCTGAGCAGGATCATGAGGACAATGAAG[C>T]TTTCAAACCAACTGTGTTCAACAATCTTGTAGCAGGTTTTCCTGATGTTCCACCAGATTT-3'
Protein context (NP_001352465.1, residues 1186-1206): YKIVEHSWFE[Ser1196Asn]FIVLMILLSS

ClinVar aggregate classification (germline): Uncertain significance (1 of 4 stars; one submission).

Conditions:
Generalized epilepsy with febrile seizures plus, type 7 (GEFSP7). Also called: GEFS+, TYPE 7. Identifiers: Orphanet 36387, MedGen C2751778, MONDO:0013470, OMIM 613863.
Neuropathy, hereditary sensory and autonomic, type 2A (HSAN2A). Also called: HSAN IIA; WNK1-Related HSAN2 (HSAN2A); MORVAN DISEASE; NEUROPATHY, CONGENITAL SENSORY; NEUROPATHY, HEREDITARY SENSORY RADICULAR, AUTOSOMAL RECESSIVE; NEUROPATHY, HEREDITARY SENSORY, TYPE IIA. Identifiers: Orphanet 970, MedGen C2752089, MONDO:0024309, OMIM 201300.

gnomAD v4.1: 3 of 1,595,984 alleles (0.00019%); highest among the groups gnomAD compares: Non-Finnish European, 0.00026%; no homozygotes.

Submission:

Labcorp Genetics (formerly Invitae), Labcorp
Classification: Uncertain significance for Neuropathy, hereditary sensory and autonomic, type 2A; Generalized epilepsy with febrile seizures plus, type 7. Last evaluated: 2025-06-29. Review status: criteria provided, single submitter. Criteria: Invitae Variant Classification Sherloc (09022015). Collection method: clinical testing. Allele origin: germline.
Comment: This sequence change replaces serine, which is neutral and polar, with asparagine, which is neutral and polar, at codon 1185 of the SCN9A protein (p.Ser1185Asn). This variant is not present in population databases (gnomAD no frequency). This variant has not been reported in the literature in individuals affected with SCN9A-related conditions. ClinVar contains an entry for this variant (Variation ID: 1499349). Invitae Evidence Modeling of protein sequence and biophysical properties (such as structural, functional, and spatial information, amino acid conservation, physicochemical variation, residue mobility, and thermodynamic stability) indicates that this missense variant is not expected to disrupt SCN9A protein function with a negative predictive value of 95%. In summary, the available evidence is currently insufficient to determine the role of this variant in disease. Therefore, it has been classified as a Variant of Uncertain Significance.